The following is an entry in ClinVar:

NM_025074.7(FRAS1):c.195C>T (p.Asn65=)

Gene: FRAS1 (Fraser extracellular matrix complex subunit 1; plus strand). Cytogenetic location: 4q21.21.
Variant type: single nucleotide variant.
Coding change: c.195C>T on transcript NM_025074.7 (MANE Select); coding-DNA position 195, C replaced by T.
Protein change: p.Asn65=; no amino-acid change (asparagine 65 retained).
Molecular consequence: synonymous variant.
Genome position (GRCh38, 1-based): chr4:78,237,596, C>T. VCF-style: chr4-78237596-C-T. GRCh37 (hg19) VCF-style: chr4-79158750-C-T.
Other names: c.195C>T, p.Asn65= (NM_001166133.2).
Identifiers: ClinVar variation 349653 (VCV000349653.10), dbSNP rs200429476, ClinGen allele CA2975857.

ClinVar aggregate classification (germline): Conflicting classifications of pathogenicity. Review status: criteria provided, conflicting classifications (1 of 4 stars). 3 submissions from 3 submitters: Uncertain significance (1); Likely benign (2). Last evaluated 2026-01-21.

Conditions:
FRAS1-related disorder. Also called: FRAS1-related condition.
Fraser syndrome 1 (FRASRS1). Also called: CRYPTOPHTHALMOS WITH OTHER MALFORMATIONS. Identifiers: Orphanet 2052, MedGen C4551480, MONDO:0054737, OMIM 219000.

Allele frequency attached by ClinVar (database versions not stated): gnomAD 0.00001; TOPMed 0.00001; ExAC 0.00004; gnomAD exomes 0.00004.
gnomAD v4.1: 91 of 1,606,882 alleles (0.0057%); highest among the groups gnomAD compares: Non-Finnish European, 0.0072%; no homozygotes.

Submissions (3):

PreventionGenetics, part of Exact Sciences
Classification: Likely benign for FRAS1-related condition. Last evaluated: 2026-01-21. Review status: criteria provided, single submitter. Criteria: ACMG Guidelines, 2015. Collection method: clinical testing. Allele origin: germline.
Comment: This variant is classified as likely benign based on ACMG/AMP sequence variant interpretation guidelines (Richards et al. 2015 PMID: 25741868, with internal and published modifications).

Labcorp Genetics (formerly Invitae), Labcorp
Classification: Likely benign. Last evaluated: 2023-12-05. Review status: criteria provided, single submitter. Criteria: Invitae Variant Classification Sherloc (09022015). Collection method: clinical testing. Allele origin: germline.

Illumina Laboratory Services, Illumina
Classification: Uncertain significance for Fraser syndrome 1. Last evaluated: 2018-01-13. Review status: criteria provided, single submitter. Criteria: ICSL Variant Classification Criteria 13 December 2019. Collection method: clinical testing. Allele origin: germline.